The following is an entry in ClinVar:

NM_003489.4(NRIP1):c.2798T>G (p.Phe933Cys)

Gene: NRIP1 (nuclear receptor interacting protein 1; minus strand). Cytogenetic location: 21q11.2.
Variant type: single nucleotide variant.
Coding change: c.2798T>G on transcript NM_003489.4 (MANE Select); coding-DNA position 2798, T replaced by G.
Protein change: p.Phe933Cys; replaces phenylalanine 933 with cysteine.
Molecular consequence: missense variant.
Genome position (GRCh38, 1-based): chr21:14,965,395, A>C on the plus strand (T>G on the coding strand, the complement: NRIP1 is on the minus strand). VCF-style: chr21-14965395-A-C. GRCh37 (hg19) VCF-style: chr21-16337716-A-C.
Other names: c.2798T>G, p.Phe933Cys (NM_001439275.1, NM_001439276.1, NM_001439277.1 and 10 more transcripts); short protein forms F933C.
Identifiers: ClinVar variation 4840611 (VCV004840611.1).

ClinVar aggregate classification (germline): Uncertain significance (1 of 4 stars; one submission).

Conditions:
Inborn genetic diseases. Identifiers: MedGen C0950123, MeSH D030342.

gnomAD v4.1: 10 of 1,613,986 alleles (0.00062%); highest among the groups gnomAD compares: Non-Finnish European, 0.00085%; no homozygotes.

Submission:

Ambry Genetics
Classification: Uncertain significance for Inborn genetic diseases. Last evaluated: 2026-02-26. Review status: criteria provided, single submitter. Criteria: Ambry Variant Classification Scheme 2023. Collection method: clinical testing. Allele origin: germline.
Comment: The c.2798T>G (p.F933C) alteration is located in exon 4 (coding exon 1) of the NRIP1 gene. This alteration results from a T to G substitution at nucleotide position 2798, causing the phenylalanine (F) at amino acid position 933 to be replaced by a cysteine (C). Based on data from gnomAD, the G allele has an overall frequency of 0.003% (1/31386) total alleles studied. The highest observed frequency was <0.001% (/) of alleles. Based on insufficient or conflicting evidence, the clinical significance of this alteration remains unclear.